The following is an entry in ClinVar:

ClinVar aggregate classification (germline): Likely benign. Review status: criteria provided, multiple submitters, no conflicts (2 of 4 stars). 3 submissions from 3 submitters: Likely benign (3). Last evaluated 2026-01-04.

Conditions:
Inborn genetic diseases. Identifiers: MedGen C0950123, MeSH D030342.

Allele frequency attached by ClinVar (database versions not stated): TOPMed 0.00004; gnomAD 0.00005; ExAC 0.00007; gnomAD exomes 0.00007.
gnomAD v4.1: 113 of 1,613,530 alleles (0.007%); highest among the groups gnomAD compares: East Asian, 0.029%; no homozygotes.

Submissions (3):

Labcorp Genetics (formerly Invitae), Labcorp
Classification: Likely benign. Last evaluated: 2026-01-04. Review status: criteria provided, single submitter. Criteria: Invitae Variant Classification Sherloc (09022015). Collection method: clinical testing. Allele origin: germline.

CeGaT Center for Human Genetics Tuebingen
Classification: Likely benign. Last evaluated: 2026-01-01. Review status: criteria provided, single submitter. Criteria: CeGaT Center For Human Genetics Tuebingen Variant Classification Criteria Version 2. Collection method: clinical testing. Allele origin: germline. Affected: yes. Observed: 1 variant allele.
Comment: MCM3AP: BP4, BP7

Ambry Genetics
Classification: Likely benign for Inborn genetic diseases. Last evaluated: 2024-10-25. Review status: criteria provided, single submitter. Criteria: Ambry Variant Classification Scheme 2023. Collection method: clinical testing. Allele origin: germline.

NM_003906.5(MCM3AP):c.2007C>T (p.His669=)

Gene: MCM3AP (minichromosome maintenance complex component 3 associated protein; minus strand). Cytogenetic location: 21q22.3.
Variant type: single nucleotide variant.
Coding change: c.2007C>T on transcript NM_003906.5 (MANE Select); coding-DNA position 2007, C replaced by T.
Protein change: p.His669=; no amino-acid change (histidine 669 retained).
Molecular consequence: synonymous variant.
Genome position (GRCh38, 1-based): chr21:46,273,577, G>A on the plus strand (C>T on the coding strand, the complement: MCM3AP is on the minus strand). VCF-style: chr21-46273577-G-A. GRCh37 (hg19) VCF-style: chr21-47693491-G-A.
Other names: c.2007C>T (NM_003906.3).
Identifiers: ClinVar variation 2063558 (VCV002063558.9), dbSNP rs749582425, ClinGen allele CA10076899.